The following is an entry in ClinVar:

NM_000179.3(MSH6):c.1816A>G (p.Lys606Glu)

Gene: MSH6 (mutS homolog 6; plus strand). Cytogenetic location: 2p16.3.
Variant type: single nucleotide variant.
Coding change: c.1816A>G on transcript NM_000179.3 (MANE Select); coding-DNA position 1816, A replaced by G.
Protein change: p.Lys606Glu; replaces lysine 606 with glutamic acid.
Molecular consequence: missense variant.
Genome position (GRCh38, 1-based): chr2:47,799,799, A>G. VCF-style: chr2-47799799-A-G. GRCh37 (hg19) VCF-style: chr2-48026938-A-G.
Other names: c.1426A>G, p.Lys476Glu (NM_001281492.2); c.910A>G, p.Lys304Glu (NM_001281493.2, NM_001281494.2); short protein forms K304E, K606E, K476E.
Identifiers: ClinVar variation 925229 (VCV000925229.21), dbSNP rs1478102899, ClinGen allele CA346749421.

ClinVar aggregate classification (germline): Conflicting classifications of pathogenicity. Review status: criteria provided, conflicting classifications (1 of 4 stars). 5 submissions from 5 submitters: Uncertain significance (4); Likely benign (1). Last evaluated 2024-09-25.

Conditions:
Endometrial carcinoma. Also called: Endometrial carcinoma, somatic. Identifiers: MedGen C0476089, MONDO:0002447, OMIM 608089, HP:0012114.
Hereditary cancer-predisposing syndrome. Also called: Neoplastic Syndromes, Hereditary; Tumor predisposition; Hereditary Cancer Syndrome; Hereditary neoplastic syndrome. Identifiers: Orphanet 140162, MedGen C0027672, MeSH D009386, MONDO:0015356.
Hereditary nonpolyposis colorectal neoplasms. Identifiers: MedGen C0009405, MeSH D003123.
Lynch syndrome. Identifiers: Orphanet 144, MedGen C4552100, MONDO:0005835. Disease mechanism: loss of function.

Allele frequency attached by ClinVar (database versions not stated): gnomAD exomes below 0.00001.
gnomAD v4.1: 2 of 1,614,248 alleles (0.00012%); highest among the groups gnomAD compares: East Asian, 0.0022%; no homozygotes.

Submissions (5):

Ambry Genetics
Classification: Uncertain significance for Hereditary cancer-predisposing syndrome. Last evaluated: 2024-09-25. Review status: criteria provided, single submitter. Criteria: Ambry Variant Classification Scheme 2023. Collection method: clinical testing. Allele origin: germline.
Comment: The p.K606E variant (also known as c.1816A>G), located in coding exon 4 of the MSH6 gene, results from an A to G substitution at nucleotide position 1816. The lysine at codon 606 is replaced by glutamic acid, an amino acid with similar properties. This amino acid position is not well conserved in available vertebrate species. In addition, this alteration is predicted to be tolerated by in silico analysis. Based on the available evidence, the clinical significance of this variant remains unclear.

Color Diagnostics, LLC DBA Color Health
Classification: Uncertain significance for Hereditary cancer-predisposing syndrome. Last evaluated: 2023-12-05. Review status: criteria provided, single submitter. Criteria: ACMG Guidelines, 2015. Collection method: clinical testing. Allele origin: germline.
Comment: This missense variant replaces lysine with glutamic acid at codon 606 of the MSH6 protein. Computational prediction tools and conservation analyses are inconclusive regarding the impact of this variant on the protein function. Computational splicing tools suggest that this variant may not impact RNA splicing. To our knowledge, functional assays have not been performed for this variant nor has this variant been reported in individuals affected with hereditary cancer in the literature. This variant has been identified in 1/250506 chromosomes in the general population by the Genome Aggregation Database (gnomAD). Available evidence is insufficient to determine the role of this variant in disease conclusively. Therefore, this variant is classified as a Variant of Uncertain Significance.

Baylor Genetics
Classification: Uncertain significance for Endometrial carcinoma. Last evaluated: 2023-11-28. Review status: criteria provided, single submitter. Criteria: ACMG Guidelines, 2015. Collection method: clinical testing. Allele origin: unknown.

Labcorp Genetics (formerly Invitae), Labcorp
Classification: Likely benign for Hereditary nonpolyposis colorectal neoplasms. Last evaluated: 2023-08-16. Review status: criteria provided, single submitter. Criteria: Invitae Variant Classification Sherloc (09022015). Collection method: clinical testing. Allele origin: germline.

All of Us Research Program, National Institutes of Health
Classification: Uncertain significance for Lynch syndrome. Last evaluated: 2023-06-26. Review status: criteria provided, single submitter. Criteria: ACMG Guidelines, 2015. Collection method: clinical testing. Allele origin: germline. Inheritance: Autosomal dominant inheritance. Observed: 1 variant allele, 1 heterozygote.
Comment: This missense variant replaces lysine with glutamic acid at codon 606 of the MSH6 protein. Computational prediction tools and conservation analyses are inconclusive regarding the impact of this variant on the protein function. Computational splicing tools suggest that this variant may not impact RNA splicing. To our knowledge, functional assays have not been performed for this variant nor has this variant been reported in individuals affected with hereditary cancer in the literature. This variant has been identified in 1/250506 chromosomes in the general population by the Genome Aggregation Database (gnomAD). Available evidence is insufficient to determine the role of this variant in disease conclusively. Therefore, this variant is classified as a Variant of Uncertain Significance.

This study involves interpretation of variants in research participants for the purpose of population health screening. Participant phenotype was not available at the time of variant classification. Additional details can be found in publication PMID: 35346344, PMCID: PMC8962531